The following is an entry in ClinVar:

NM_021728.4(OTX2):c.806A>G (p.Asp269Gly)

Gene: OTX2 (orthodenticle homeobox 2; minus strand). Cytogenetic location: 14q22.3.
Variant type: single nucleotide variant.
Coding change: c.806A>G on transcript NM_021728.4 (MANE Select); coding-DNA position 806, A replaced by G.
Protein change: p.Asp269Gly; replaces aspartic acid 269 with glycine.
Molecular consequence: missense variant. On other transcripts: non-coding transcript variant (2).
Genome position (GRCh38, 1-based): chr14:56,801,823, T>C on the plus strand (A>G on the coding strand, the complement: OTX2 is on the minus strand). VCF-style: chr14-56801823-T-C. GRCh37 (hg19) VCF-style: chr14-57268541-T-C.
Other names: c.782A>G, p.Asp261Gly (NM_001270523.2, NM_001270524.2, NM_172337.3); c.806A>G, p.Asp269Gly (NM_001270525.2); short protein forms D261G, D269G.
Identifiers: ClinVar variation 1434497 (VCV001434497.6), dbSNP rs2139527692, ClinGen allele CA390051083.

ClinVar aggregate classification (germline): Uncertain significance (1 of 4 stars; one submission).

Conditions:
Anophthalmia-microphthalmia syndrome. Also called: Anophthalmia - microphthalmia; Anophthalmia/Microphthalmia. Identifiers: Orphanet 98555, MedGen C5680330, MONDO:0020147.

Submission:

Labcorp Genetics (formerly Invitae), Labcorp
Classification: Uncertain significance for Anophthalmia-microphthalmia syndrome. Last evaluated: 2024-02-23. Review status: criteria provided, single submitter. Criteria: Invitae Variant Classification Sherloc (09022015). Collection method: clinical testing. Allele origin: germline.
Comment: This sequence change replaces aspartic acid, which is acidic and polar, with glycine, which is neutral and non-polar, at codon 261 of the OTX2 protein (p.Asp261Gly). This variant is not present in population databases (gnomAD no frequency). This variant has not been reported in the literature in individuals affected with OTX2-related conditions. ClinVar contains an entry for this variant (Variation ID: 1434497). An algorithm developed to predict the effect of missense changes on protein structure and function (PolyPhen-2) suggests that this variant is likely to be disruptive. In summary, the available evidence is currently insufficient to determine the role of this variant in disease. Therefore, it has been classified as a Variant of Uncertain Significance.